The following is an entry in ClinVar:

NM_001379291.1(BRD4):c.1774A>G (p.Lys592Glu)

Gene: BRD4 (bromodomain containing 4; minus strand). Cytogenetic location: 19p13.12.
Variant type: single nucleotide variant.
Coding change: c.1774A>G on transcript NM_001379291.1 (MANE Select); coding-DNA position 1774, A replaced by G.
Protein change: p.Lys592Glu; replaces lysine 592 with glutamic acid.
Molecular consequence: missense variant.
Genome position (GRCh38, 1-based): chr19:15,255,570, T>C on the plus strand (A>G on the coding strand, the complement: BRD4 is on the minus strand). VCF-style: chr19-15255570-T-C. GRCh37 (hg19) VCF-style: chr19-15366381-T-C.
Other names: c.1774A>G, p.Lys592Glu (NM_001330384.2, NM_001379292.1, NM_014299.3 and 1 more transcripts); short protein forms K592E.
Identifiers: ClinVar variation 3363494 (VCV003363494.1).
Genomic context (GRCh38, chr19:15,255,570, plus strand): 5'-AGGACATAGGCTTGCACTTGTCCTCTTCCTCCGACTCATACGTGGGAGGGGGCTTGCTCT[T>C]CATGGGCGCTGGCTCCTTCTTGCTACGAAGGGACGATGCAGACACCATCAAGAACGGGCC-3'
Protein context (NP_001366220.1, residues 582-602): NVSKKEPAPM[Lys592Glu]SKPPPTYESE

ClinVar aggregate classification (germline): Uncertain significance (1 of 4 stars; one submission).

Submission:

GeneDx
Classification: Uncertain significance. Last evaluated: 2023-11-01. Review status: criteria provided, single submitter. Criteria: GeneDx Variant Classification Process June 2021. Collection method: clinical testing. Allele origin: germline. Affected: yes.
Comment: Not observed at significant frequency in large population cohorts (gnomAD); In silico analysis supports that this missense variant does not alter protein structure/function; Has not been previously published as pathogenic or benign to our knowledge